The following is an entry in ClinVar:

ClinVar aggregate classification (germline): Pathogenic (1 of 4 stars; one submission).

Conditions:
Hereditary spastic paraplegia 11. Also called: SPASTIC PARAPLEGIA, AUTOSOMAL RECESSIVE, COMPLICATED, WITH THIN CORPUS CALLOSUM; SPASTIC PARAPLEGIA, AUTOSOMAL RECESSIVE, WITH MENTAL IMPAIRMENT AND THIN CORPUS CALLOSUM; Nakamura Osame syndrome; Autosomal recessive hereditary spastic paraplegia, mental impairment, and thin corpus callosum; Spastic Paraplegia 11; Spastic paraplegia, mental retardation and thin corpus callosum. Identifiers: Orphanet 2822, MedGen C1858479, MONDO:0011445, OMIM 604360.

Submission:

Labcorp Genetics (formerly Invitae), Labcorp
Classification: Pathogenic for Hereditary spastic paraplegia 11. Last evaluated: 2025-12-30. Review status: criteria provided, single submitter. Criteria: Invitae Variant Classification Sherloc (09022015). Collection method: clinical testing. Allele origin: germline.
Comment: This sequence change creates a premature translational stop signal (p.Gln1465*) in the SPG11 gene. It is expected to result in an absent or disrupted protein product. Loss-of-function variants in SPG11 are known to be pathogenic (PMID: 19105190, 20110243, 22154821, 26556829). This variant is not present in population databases (gnomAD no frequency). This variant has not been reported in the literature in individuals affected with SPG11-related conditions. Algorithms developed to predict the effect of sequence changes on RNA splicing suggest that this variant may disrupt the consensus splice site. For these reasons, this variant has been classified as Pathogenic.

Literature cited by the submitters: PubMed 19105190; PubMed 20110243; PubMed 22154821; PubMed 26556829.

NM_025137.4(SPG11):c.4393C>T (p.Gln1465Ter)

Gene: SPG11 (SPG11 vesicle trafficking associated, spatacsin; minus strand). Cytogenetic location: 15q21.1.
Variant type: single nucleotide variant.
Coding change: c.4393C>T on transcript NM_025137.4 (MANE Select); coding-DNA position 4393, C replaced by T.
Protein change: p.Gln1465Ter; replaces glutamine 1465 with a stop codon.
Molecular consequence: nonsense.
Genome position (GRCh38, 1-based): chr15:44,596,124, G>A on the plus strand (C>T on the coding strand, the complement: SPG11 is on the minus strand). VCF-style: chr15-44596124-G-A. GRCh37 (hg19) VCF-style: chr15-44888322-G-A.
Other names: c.4393C>T, p.Gln1465Ter (NM_001160227.2, NM_001411132.1); short protein forms Q1465*.
Identifiers: ClinVar variation 4695118 (VCV004695118.1).